The following is an entry in ClinVar:

ClinVar aggregate classification (germline): Conflicting classifications of pathogenicity. Review status: criteria provided, conflicting classifications (1 of 4 stars). 5 submissions from 5 submitters: Uncertain significance (3); Likely benign (2). Last evaluated 2025-07-31.

Conditions:
Hereditary cancer-predisposing syndrome. Also called: Hereditary neoplastic syndrome; Tumor predisposition; Neoplastic Syndromes, Hereditary; Hereditary Cancer Syndrome. Identifiers: Orphanet 140162, MedGen C0027672, MeSH D009386, MONDO:0015356.
Lymphangiomyomatosis (LAM). Also called: Lymphangioleiomyomatosis, somatic; Lymphangioleiomyomatosis. Identifiers: Orphanet 538, MedGen C0751674, MONDO:0011705, OMIM 606690.
Isolated focal cortical dysplasia type II (FCORD2). Also called: Focal cortical dysplasia type II; CORTICAL DYSPLASIA OF TAYLOR. Identifiers: Orphanet 268994, MedGen C1846385, MONDO:0011818, OMIM 607341, HP:0032051.
Tuberous sclerosis 1 (TSC1). Identifiers: Orphanet 805, MedGen C1854465, MONDO:0008612, OMIM 191100.
Tuberous sclerosis syndrome (TSC). Also called: Tuberous Sclerosis Complex; Tuberous sclerosis. Identifiers: Orphanet 805, MedGen C0041341, MONDO:0001734.

Allele frequency attached by ClinVar (database versions not stated): gnomAD exomes below 0.00001 and 0.00001; TOPMed below 0.00001.
gnomAD v4.1: 2 of 1,614,198 alleles (0.00012%); highest among the groups gnomAD compares: Admixed American, 0.0033%; no homozygotes.

Submissions (5):

Ambry Genetics
Classification: Likely benign for Hereditary cancer-predisposing syndrome. Last evaluated: 2025-07-31. Review status: criteria provided, single submitter. Criteria: Ambry Variant Classification Scheme 2023. Collection method: clinical testing. Allele origin: germline.

Labcorp Genetics (formerly Invitae), Labcorp
Classification: Likely benign for Tuberous sclerosis 1. Last evaluated: 2025-05-12. Review status: criteria provided, single submitter. Criteria: Invitae Variant Classification Sherloc (09022015). Collection method: clinical testing. Allele origin: germline.

Quest Diagnostics Nichols Institute San Juan Capistrano
Classification: Uncertain significance. Last evaluated: 2025-04-07. Review status: criteria provided, single submitter. Criteria: Quest Diagnostics criteria. Collection method: clinical testing. Allele origin: unknown.

All of Us Research Program, National Institutes of Health
Classification: Uncertain significance for Tuberous sclerosis syndrome. Last evaluated: 2023-06-26. Review status: criteria provided, single submitter. Criteria: ACMG Guidelines, 2015. Collection method: clinical testing. Allele origin: germline. Inheritance: Autosomal dominant inheritance. Observed: 2 variant alleles, 2 heterozygotes.
Comment: This missense variant replaces proline with serine at codon 1132 of the TSC1 protein. Computational prediction suggests that this variant may not impact protein structure and function (internally defined REVEL score threshold <= 0.5, PMID: 27666373). To our knowledge, functional studies have not been reported for this variant. This variant has not been reported in individuals affected with TSC1-related disorders in the literature. This variant has been identified in 2/251398 chromosomes in the general population by the Genome Aggregation Database (gnomAD). The available evidence is insufficient to determine the role of this variant in disease conclusively. Therefore, this variant is classified as a Variant of Uncertain Significance.

This study involves interpretation of variants in research participants for the purpose of population health screening. Participant phenotype was not available at the time of variant classification. Additional details can be found in publication PMID: 35346344, PMCID: PMC8962531

Fulgent Genetics
Classification: Uncertain significance for Tuberous sclerosis 1; Lymphangiomyomatosis; Isolated focal cortical dysplasia type II. Last evaluated: 2021-09-14. Review status: criteria provided, single submitter. Criteria: ACMG Guidelines, 2015. Collection method: clinical testing. Allele origin: unknown.

NM_000368.5(TSC1):c.3394C>T (p.Pro1132Ser)

Gene: TSC1 (TSC complex subunit 1; minus strand). Cytogenetic location: 9q34.13.
Variant type: single nucleotide variant.
Coding change: c.3394C>T on transcript NM_000368.5 (MANE Select); coding-DNA position 3394, C replaced by T.
Protein change: p.Pro1132Ser; replaces proline 1132 with serine.
Molecular consequence: missense variant.
Genome position (GRCh38, 1-based): chr9:132,896,336, G>A on the plus strand (C>T on the coding strand, the complement: TSC1 is on the minus strand). VCF-style: chr9-132896336-G-A. GRCh37 (hg19) VCF-style: chr9-135771723-G-A.
Other names: c.3391C>T, p.Pro1131Ser (NM_001162426.2); c.3241C>T, p.Pro1081Ser (NM_001162427.2); c.3031C>T, p.Pro1011Ser (NM_001362177.2); short protein forms P1081S, P1131S, P1132S, P1011S.
Identifiers: ClinVar variation 951562 (VCV000951562.16), dbSNP rs1249897804, ClinGen allele CA375366460.
Genomic context (GRCh38, chr9:132,896,336, plus strand): 5'-GTAGCTGTCCAACACTGTCCGGGGTCGGGGGAGACGGGTGAGGGCCATCTAGGTTCAGGG[G>A]AATCTTGGCTTCCACACCCAAGTCTTTGCCCAGTTCTGTCTTTAGGCTCTCAGAAAGGCT-3'
Protein context (NP_000359.1, residues 1122-1142): GKDLGVEAKI[Pro1132Ser]LNLDGPHPSP